The following is an entry in ClinVar:

NM_000419.5(ITGA2B):c.1753-3T>A

Gene: ITGA2B (integrin subunit alpha 2b; minus strand). Cytogenetic location: 17q21.31.
Variant type: single nucleotide variant.
Coding change: c.1753-3T>A on transcript NM_000419.5 (MANE Select); 3 bases into the intron before coding-DNA position 1753, T replaced by A.
Molecular consequence: intron variant.
Genome position (GRCh38, 1-based): chr17:44,379,817, A>T on the plus strand (T>A on the coding strand, the complement: ITGA2B is on the minus strand). VCF-style: chr17-44379817-A-T. GRCh37 (hg19) VCF-style: chr17-42457185-A-T.
Identifiers: ClinVar variation 892301 (VCV000892301.7), dbSNP rs746932044, ClinGen allele CA8602946.

ClinVar aggregate classification (germline): Uncertain significance. Review status: criteria provided, multiple submitters, no conflicts (2 of 4 stars). 2 submissions from 2 submitters: Uncertain significance (2). Last evaluated 2023-09-09.

Conditions:
Glanzmann thrombasthenia. Also called: BLEEDING DISORDER, PLATELET-TYPE, 2; THROMBASTHENIA OF GLANZMANN AND NAEGELI; PLATELET GLYCOPROTEIN IIb-IIIa DEFICIENCY; Thrombasthenia; Glanzmann's thrombasthenia. Identifiers: Orphanet 849, MedGen C0040015, MONDO:0100326.

Allele frequency attached by ClinVar (database versions not stated): ExAC 0.00001; gnomAD 0.00001; gnomAD exomes 0.00001; TOPMed 0.00001.
gnomAD v4.1: 13 of 1,613,638 alleles (0.00081%); highest among the groups gnomAD compares: Non-Finnish European, 0.0011%; no homozygotes.

Submissions (2):

Labcorp Genetics (formerly Invitae), Labcorp
Classification: Uncertain significance for Glanzmann thrombasthenia. Last evaluated: 2023-09-09. Review status: criteria provided, single submitter. Criteria: Invitae Variant Classification Sherloc (09022015). Collection method: clinical testing. Allele origin: germline.
Comment: In summary, the available evidence is currently insufficient to determine the role of this variant in disease. Therefore, it has been classified as a Variant of Uncertain Significance. Variants that disrupt the consensus splice site are a relatively common cause of aberrant splicing (PMID: 17576681, 9536098). Algorithms developed to predict the effect of sequence changes on RNA splicing suggest that this variant is not likely to affect RNA splicing. ClinVar contains an entry for this variant (Variation ID: 892301). This variant has not been reported in the literature in individuals affected with ITGA2B-related conditions. This variant is present in population databases (rs746932044, gnomAD 0.002%). This sequence change falls in intron 17 of the ITGA2B gene. It does not directly change the encoded amino acid sequence of the ITGA2B protein. It affects a nucleotide within the consensus splice site.

Illumina Laboratory Services, Illumina
Classification: Uncertain significance for Glanzmann thrombasthenia 1. Last evaluated: 2018-01-12. Review status: criteria provided, single submitter. Criteria: ICSL Variant Classification Criteria 13 December 2019. Collection method: clinical testing. Allele origin: germline.

Literature cited by the submitters: PubMed 17576681 (cited by Labcorp Genetics (formerly Invitae), Labcorp); PubMed 9536098 (cited by Labcorp Genetics (formerly Invitae), Labcorp).